The following is an entry in ClinVar:

ClinVar aggregate classification (germline): Pathogenic (1 of 4 stars; one submission).

Conditions:
Hereditary cancer-predisposing syndrome. Also called: Neoplastic Syndromes, Hereditary; Tumor predisposition; Hereditary Cancer Syndrome; Hereditary neoplastic syndrome. Identifiers: Orphanet 140162, MedGen C0027672, MeSH D009386, MONDO:0015356.

Submission:

Ambry Genetics
Classification: Pathogenic for Hereditary cancer-predisposing syndrome. Last evaluated: 2018-09-14. Review status: criteria provided, single submitter. Criteria: Ambry Variant Classification Scheme 2023. Collection method: clinical testing. Allele origin: germline.
Comment: The p.S547* pathogenic mutation (also known as c.1640C>G), located in coding exon 11 of the PMS2 gene, results from a C to G substitution at nucleotide position 1640. This changes the amino acid from a serine to a stop codon within coding exon 11. This alteration is expected to result in loss of function by premature protein truncation or nonsense-mediated mRNA decay. As such, this alteration is interpreted as a disease-causing mutation.

NM_000535.7(PMS2):c.1640C>G (p.Ser547Ter)

Gene: PMS2 (PMS1 homolog 2, mismatch repair system component; minus strand). Cytogenetic location: 7p22.1.
Variant type: single nucleotide variant.
Coding change: c.1640C>G on transcript NM_000535.7 (MANE Select); coding-DNA position 1640, C replaced by G.
Protein change: p.Ser547Ter; replaces serine 547 with a stop codon.
Molecular consequence: nonsense. On other transcripts: non-coding transcript variant (1).
Genome position (GRCh38, 1-based): chr7:5,987,125, G>C on the plus strand (C>G on the coding strand, the complement: PMS2 is on the minus strand). VCF-style: chr7-5987125-G-C. GRCh37 (hg19) VCF-style: chr7-6026756-G-C.
Other names: c.1235C>G, p.Ser412Ter (NM_001018040.1, NM_001322003.2, NM_001322004.2 and 17 more transcripts); c.1484C>G, p.Ser495Ter (NM_001322006.2, NM_001406870.1); c.1322C>G, p.Ser441Ter (NM_001322007.2, NM_001322008.2, NM_001406876.1 and 2 more transcripts); c.1079C>G, p.Ser360Ter (NM_001322010.2, NM_001406906.1, NM_001406907.1); c.707C>G, p.Ser236Ter (NM_001322011.2, NM_001322012.2); c.1067C>G, p.Ser356Ter (NM_001322013.2, NM_001406909.1); c.1640C>G, p.Ser547Ter (NM_001322014.2, NM_001406871.1, NM_001406872.1); c.1331C>G, p.Ser444Ter (NM_001322015.2, NM_001406875.1, NM_001406877.1 and 5 more transcripts); and 12 more; short protein forms S290*, S356*, S441*, S511*, S547*, S236*, S439*, S444*.
Identifiers: ClinVar variation 1777028 (VCV001777028.2), dbSNP rs2128726258, ClinGen allele CA366741423.